The following is an entry in ClinVar:

NM_001142800.2(EYS):c.5615T>C (p.Ile1872Thr)

Gene: EYS (EGF-like photoreceptor maintenance factor; minus strand). Cytogenetic location: 6q12.
Variant type: single nucleotide variant.
Coding change: c.5615T>C on transcript NM_001142800.2 (MANE Select); coding-DNA position 5615, T replaced by C.
Protein change: p.Ile1872Thr; replaces isoleucine 1872 with threonine.
Molecular consequence: missense variant.
Genome position (GRCh38, 1-based): chr6:64,590,252, A>G on the plus strand (T>C on the coding strand, the complement: EYS is on the minus strand). VCF-style: chr6-64590252-A-G. GRCh37 (hg19) VCF-style: chr6-65300145-A-G.
Other names: c.5615T>C, p.Ile1872Thr (NM_001292009.2); short protein forms I1872T.
Identifiers: ClinVar variation 839972 (VCV000839972.12), dbSNP rs201333192, ClinGen allele CA3877005.

ClinVar aggregate classification (germline): Likely benign. Review status: criteria provided, multiple submitters, no conflicts (2 of 4 stars). 6 submissions from 6 submitters: Likely benign (2). 4 of the submissions do not count toward it. Last evaluated 2026-01-26.

Conditions:
Retinitis pigmentosa 25 (RP25). Identifiers: Orphanet 791, MedGen C1864446, MONDO:0011272, OMIM 602772.
EYS-related disorder. Also called: EYS-related condition.

Allele frequency attached by ClinVar (database versions not stated): 1000 Genomes Project 30x 0.00047; TOPMed 0.00062; gnomAD 0.00068 and 0.00071; gnomAD exomes 0.00084 and 0.00089; ExAC 0.00098.
gnomAD v4.1: 1,351 of 1,548,860 alleles (0.087%); highest among the groups gnomAD compares: Non-Finnish European, 0.099%; 1 homozygote.

Submissions (6):

Labcorp Genetics (formerly Invitae), Labcorp
Classification: Likely benign. Last evaluated: 2026-01-26. Review status: criteria provided, single submitter. Criteria: Invitae Variant Classification Sherloc (09022015). Collection method: clinical testing. Allele origin: germline.

Blueprint Genetics
Classification: Likely benign. Last evaluated: 2024-11-25. Review status: criteria provided, single submitter. Criteria: ACMG Guidelines, 2015. Collection method: clinical testing. Allele origin: germline.

PreventionGenetics, part of Exact Sciences
Classification: Likely benign for EYS-related condition. Last evaluated: 2024-09-12. Review status: no assertion criteria provided. Collection method: clinical testing. Allele origin: germline. Not counted in ClinVar's aggregate classification.
Comment: This variant is classified as likely benign based on ACMG/AMP sequence variant interpretation guidelines (Richards et al. 2015 PMID: 25741868, with internal and published modifications).

Natera, Inc.
Classification: Uncertain significance for Retinitis pigmentosa type 25. Last evaluated: 2020-09-03. Review status: no assertion criteria provided. Collection method: clinical testing. Allele origin: germline. Not counted in ClinVar's aggregate classification.

Clinical Genetics DNA and cytogenetics Diagnostics Lab, Erasmus MC, Erasmus Medical Center
Classification: Likely benign. Review status: no assertion criteria provided. Collection method: clinical testing. Allele origin: germline. Affected: yes. Study: VKGL Data-share Consensus. Not counted in ClinVar's aggregate classification.

Clinical Genetics, Academic Medical Center
Classification: Likely benign. Review status: no assertion criteria provided. Collection method: clinical testing. Allele origin: germline. Affected: yes. Study: VKGL Data-share Consensus. Not counted in ClinVar's aggregate classification.